The following is an entry in ClinVar:

NM_000400.4(ERCC2):c.2236T>G (p.Ser746Ala)

Gene: ERCC2 (ERCC excision repair 2, TFIIH core complex helicase subunit; minus strand). Cytogenetic location: 19q13.32.
Variant type: single nucleotide variant.
Coding change: c.2236T>G on transcript NM_000400.4 (MANE Select); coding-DNA position 2236, T replaced by G.
Protein change: p.Ser746Ala; replaces serine 746 with alanine.
Molecular consequence: missense variant.
Genome position (GRCh38, 1-based): chr19:45,351,676, A>C on the plus strand (T>G on the coding strand, the complement: ERCC2 is on the minus strand). VCF-style: chr19-45351676-A-C. GRCh37 (hg19) VCF-style: chr19-45854934-A-C.
Other names: short protein forms S746A.
Identifiers: ClinVar variation 3231685 (VCV003231685.1), dbSNP rs1351814547, ClinGen allele CA406360407.

ClinVar aggregate classification (germline): Uncertain significance (1 of 4 stars; one submission).

Conditions:
Inborn genetic diseases. Identifiers: MedGen C0950123, MeSH D030342.

Allele frequency attached by ClinVar (database versions not stated): gnomAD exomes below 0.00001; TOPMed below 0.00001.

Submission:

Ambry Genetics
Classification: Uncertain significance for Inborn genetic diseases. Last evaluated: 2023-11-11. Review status: criteria provided, single submitter. Criteria: Ambry Variant Classification Scheme 2023. Collection method: clinical testing. Allele origin: germline.
Comment: The p.S746A variant (also known as c.2236T>G), located in coding exon 23 of the ERCC2 gene, results from a T to G substitution at nucleotide position 2236. The serine at codon 746 is replaced by alanine, an amino acid with similar properties. This amino acid position is conserved. In addition, the in silico prediction for this alteration is inconclusive. Since supporting evidence is limited at this time, the clinical significance of this alteration remains unclear.